The following is an entry in ClinVar:

NM_004447.6(EPS8):c.1449A>C (p.Ser483=)

Gene: EPS8 (EGFR pathway substrate 8, signaling adaptor; minus strand). Cytogenetic location: 12p12.3.
Variant type: single nucleotide variant.
Coding change: c.1449A>C on transcript NM_004447.6 (MANE Select); coding-DNA position 1449, A replaced by C.
Protein change: p.Ser483=; no amino-acid change (serine 483 retained).
Molecular consequence: synonymous variant.
Genome position (GRCh38, 1-based): chr12:15,647,246, T>G on the plus strand (A>C on the coding strand, the complement: EPS8 is on the minus strand). VCF-style: chr12-15647246-T-G. GRCh37 (hg19) VCF-style: chr12-15800180-T-G.
Identifiers: ClinVar variation 752063 (VCV000752063.10), dbSNP rs140797755, ClinGen allele CA6467561.

ClinVar aggregate classification (germline): Likely benign. Review status: criteria provided, multiple submitters, no conflicts (2 of 4 stars). 2 submissions from 2 submitters: Likely benign (2). Last evaluated 2024-10-28.

Allele frequency attached by ClinVar (database versions not stated): gnomAD 0.00004 and 0.00009; gnomAD exomes 0.00006 and 0.00008; TOPMed 0.00008; ExAC 0.00011; 1000 Genomes Project 30x 0.00062; 1000 Genomes Project 0.00080.
gnomAD v4.1: 95 of 1,612,676 alleles (0.0059%); highest among the groups gnomAD compares: East Asian, 0.21%; no homozygotes.

Submissions (2):

Labcorp Genetics (formerly Invitae), Labcorp
Classification: Likely benign. Last evaluated: 2024-10-28. Review status: criteria provided, single submitter. Criteria: Invitae Variant Classification Sherloc (09022015). Collection method: clinical testing. Allele origin: germline.

Laboratory for Molecular Medicine, Mass General Brigham Personalized Medicine
Classification: Likely benign. Last evaluated: 2017-08-23. Review status: criteria provided, single submitter. Criteria: LMM Criteria. Collection method: clinical testing. Allele origin: germline. Observed: 1 variant allele.
Comment: p.Ser483Ser in exon 15 of EPS8: This variant is not expected to have clinical significance because it does not alter an amino acid residue and is not located within the splice consensus sequence. It has been identified in 0.15% (13/8634) of East Asian chromosomes by the Exome Aggregation Consortium (ExAC; dbSNP rs140797755).